The following is an entry in ClinVar:

NM_012470.4(TNPO3):c.1474G>A (p.Val492Ile)

Gene: TNPO3 (transportin 3; minus strand). Cytogenetic location: 7q32.1.
Variant type: single nucleotide variant.
Coding change: c.1474G>A on transcript NM_012470.4 (MANE Select); coding-DNA position 1474, G replaced by A.
Protein change: p.Val492Ile; replaces valine 492 with isoleucine.
Molecular consequence: missense variant. On other transcripts: non-coding transcript variant (18).
Genome position (GRCh38, 1-based): chr7:128,989,985, C>T on the plus strand (G>A on the coding strand, the complement: TNPO3 is on the minus strand). VCF-style: chr7-128989985-C-T. GRCh37 (hg19) VCF-style: chr7-128630039-C-T.
Other names: c.1474G>A, p.Val492Ile (NM_001191028.3, NM_001382218.1, NM_001382220.1 and 1 more transcripts); c.1576G>A, p.Val526Ile (NM_001382216.1); c.1555G>A, p.Val519Ile (NM_001382217.1); c.1366G>A, p.Val456Ile (NM_001382219.1); c.1330G>A, p.Val444Ile (NM_001382221.1); c.1327G>A, p.Val443Ile (NM_001382222.1); short protein forms V443I, V444I, V456I, V492I, V519I, V526I.
Identifiers: ClinVar variation 1315438 (VCV001315438.14), dbSNP rs758997411, ClinGen allele CA4478126.
Genomic context (GRCh38, chr7:128,989,985, plus strand): 5'-AAGTTAGAAGTGGCAGAGGAGAGAGATTACACATACCAAGGAACTGAGGATTTCGATCAA[C>T]GACTTCACTCATCTCTCCAACCAATTCAATGCTGGTGTATCGCACAGCCGTATGTACGGT-3'
Protein context (NP_036602.1, residues 482-502): IELVGEMSEV[Val492Ile]DRNPQFLDPV

ClinVar aggregate classification (germline): Uncertain significance. Review status: criteria provided, multiple submitters, no conflicts (2 of 4 stars). 3 submissions from 3 submitters: Uncertain significance (3). Last evaluated 2025-09-01.

Conditions:
Autosomal dominant limb-girdle muscular dystrophy type 1F (LGMDD2). Also called: MUSCULAR DYSTROPHY, LIMB-GIRDLE, AUTOSOMAL DOMINANT 2; Limb-girdle muscular dystrophy, type 1F. Identifiers: Orphanet 55595, MedGen C1842062, MONDO:0012034, OMIM 608423.

Allele frequency attached by ClinVar (database versions not stated): gnomAD 0.00001 and 0.00002; ExAC 0.00002; gnomAD exomes 0.00002; TOPMed 0.00002.
gnomAD v4.1: 27 of 1,614,062 alleles (0.0017%); highest among the groups gnomAD compares: Non-Finnish European, 0.002%; no homozygotes.

Submissions (3):

CeGaT Center for Human Genetics Tuebingen
Classification: Uncertain significance. Last evaluated: 2025-09-01. Review status: criteria provided, single submitter. Criteria: CeGaT Center For Human Genetics Tuebingen Variant Classification Criteria Version 2. Collection method: clinical testing. Allele origin: germline. Affected: yes. Observed: 1 variant allele.
Comment: TNPO3: PP2

Labcorp Genetics (formerly Invitae), Labcorp
Classification: Uncertain significance for Autosomal dominant limb-girdle muscular dystrophy type 1F. Last evaluated: 2021-10-26. Review status: criteria provided, single submitter. Criteria: Invitae Variant Classification Sherloc (09022015). Collection method: clinical testing. Allele origin: germline.
Comment: In summary, the available evidence is currently insufficient to determine the role of this variant in disease. Therefore, it has been classified as a Variant of Uncertain Significance. Algorithms developed to predict the effect of missense changes on protein structure and function (SIFT, PolyPhen-2, Align-GVGD) all suggest that this variant is likely to be tolerated. This variant has not been reported in the literature in individuals affected with TNPO3-related conditions. This variant is present in population databases (rs758997411, ExAC 0.003%). This sequence change replaces valine with isoleucine at codon 492 of the TNPO3 protein (p.Val492Ile). The valine residue is moderately conserved and there is a small physicochemical difference between valine and isoleucine.

GeneDx
Classification: Uncertain significance. Last evaluated: 2020-02-18. Review status: criteria provided, single submitter. Criteria: GeneDx Variant Classification Process June 2021. Collection method: clinical testing. Allele origin: germline. Affected: yes.
Comment: Not observed at a significant frequency in large population cohorts (Lek et al., 2016); In silico analysis supports that this missense variant does not alter protein structure/function; Has not been previously published as pathogenic or benign to our knowledge